The following is an entry in ClinVar:

ClinVar aggregate classification (germline): Uncertain significance. Review status: criteria provided, multiple submitters, no conflicts (2 of 4 stars). 2 submissions from 2 submitters: Uncertain significance (2). Last evaluated 2025-09-25.

Conditions:
Spinocerebellar ataxia 42, early-onset, severe, with neurodevelopmental deficits. Identifiers: MedGen C4748120, MONDO:0060758, OMIM 618087.

Allele frequency attached by ClinVar (database versions not stated): gnomAD 0.00014 and 0.00012; TOPMed 0.00026; gnomAD exomes 0.00003; ExAC 0.00004.
gnomAD v4.1: 61 of 1,599,452 alleles (0.0038%); highest among the groups gnomAD compares: Admixed American, 0.019%; no homozygotes.

Submissions (2):

Labcorp Genetics (formerly Invitae), Labcorp
Classification: Uncertain significance. Last evaluated: 2025-09-25. Review status: criteria provided, single submitter. Criteria: Invitae Variant Classification Sherloc (09022015). Collection method: clinical testing. Allele origin: germline.
Comment: This sequence change replaces glycine, which is neutral and non-polar, with cysteine, which is neutral and slightly polar, at codon 2320 of the CACNA1G protein (p.Gly2320Cys). This variant is present in population databases (rs760308715, gnomAD 0.03%). This missense change has been observed in individual(s) with clinical features of CACNA1G-related conditions (PMID: 34248568). ClinVar contains an entry for this variant (Variation ID: 1342332). Invitae Evidence Modeling of protein sequence and biophysical properties (such as structural, functional, and spatial information, amino acid conservation, physicochemical variation, residue mobility, and thermodynamic stability) has been performed for this missense variant. However, the output from this modeling did not meet the statistical confidence thresholds required to predict the impact of this variant on CACNA1G protein function. In summary, the available evidence is currently insufficient to determine the role of this variant in disease. Therefore, it has been classified as a Variant of Uncertain Significance.

New York Genome Center
Classification: Uncertain significance for Spinocerebellar ataxia 42, early-onset, severe, with neurodevelopmental deficits. Last evaluated: 2021-03-13. Review status: criteria provided, single submitter. Criteria: NYGC Assertion Criteria 2020. Collection method: clinical testing. Allele origin: inherited. Observed: 1 heterozygote. Study: CSER-NYCKidSeq.

Literature cited by the submitters: PubMed 34248568 (cited by Labcorp Genetics (formerly Invitae), Labcorp).

NM_018896.5(CACNA1G):c.6958G>T (p.Gly2320Cys)

Gene: CACNA1G (calcium voltage-gated channel subunit alpha1 G; plus strand). Cytogenetic location: 17q21.33.
Variant type: single nucleotide variant.
Coding change: c.6958G>T on transcript NM_018896.5 (MANE Select); coding-DNA position 6958, G replaced by T.
Protein change: p.Gly2320Cys; replaces glycine 2320 with cysteine.
Molecular consequence: missense variant. On other transcripts: non-coding transcript variant (5).
Genome position (GRCh38, 1-based): chr17:50,626,575, G>T. VCF-style: chr17-50626575-G-T. GRCh37 (hg19) VCF-style: chr17-48703936-G-T.
Other names: c.6769G>T, p.Gly2257Cys (NM_001256324.2); c.6700G>T, p.Gly2234Cys (NM_001256325.2); c.6688G>T, p.Gly2230Cys (NM_001256326.2); c.6658G>T, p.Gly2220Cys (NM_001256327.2); c.6604G>T, p.Gly2202Cys (NM_001256328.2); c.6577G>T, p.Gly2193Cys (NM_001256329.2, NM_198387.3); c.6544G>T, p.Gly2182Cys (NM_001256330.2); c.6523G>T, p.Gly2175Cys (NM_001256331.2); and 18 more; short protein forms G2114C, G2137C, G2148C, G2170C, G2175C, G2182C, G2186C, G2189C.
Identifiers: ClinVar variation 1342332 (VCV001342332.4), dbSNP rs760308715, ClinGen allele CA8653769.